The following is an entry in ClinVar:

ClinVar aggregate classification (germline): Pathogenic/Likely pathogenic. Review status: criteria provided, multiple submitters, no conflicts (2 of 4 stars). 5 submissions from 5 submitters: Pathogenic (4); Likely pathogenic (1). Last evaluated 2025-06-10.

Conditions:
Familial cancer of breast. Also called: BREAST CANCER, FAMILIAL; hereditary breast carcinoma; Hereditary breast cancer. Identifiers: Orphanet 227535, MedGen C0346153, MONDO:0016419, OMIM 114480. Disease mechanism: loss of function.
PALB2-related cancer predisposition. Identifiers: MedGen CN377761, MONDO:0700272.
Hereditary cancer-predisposing syndrome. Also called: Neoplastic Syndromes, Hereditary; Tumor predisposition; Hereditary Cancer Syndrome; Hereditary neoplastic syndrome. Identifiers: Orphanet 140162, MedGen C0027672, MeSH D009386, MONDO:0015356.

Submissions (5):

Labcorp Genetics (formerly Invitae), Labcorp
Classification: Pathogenic for Familial cancer of breast. Last evaluated: 2025-06-10. Review status: criteria provided, single submitter. Criteria: Invitae Variant Classification Sherloc (09022015). Collection method: clinical testing. Allele origin: germline.
Comment: This sequence change creates a premature translational stop signal (p.Thr1042Asnfs*11) in the PALB2 gene. It is expected to result in an absent or disrupted protein product. Loss-of-function variants in PALB2 are known to be pathogenic (PMID: 17200668, 17200671, 17200672, 24136930, 25099575). This variant is not present in population databases (gnomAD no frequency). This variant has not been reported in the literature in individuals affected with PALB2-related conditions. ClinVar contains an entry for this variant (Variation ID: 410207). For these reasons, this variant has been classified as Pathogenic.

Ambry Genetics
Classification: Pathogenic for Hereditary cancer-predisposing syndrome. Last evaluated: 2024-12-16. Review status: criteria provided, single submitter. Criteria: Ambry Variant Classification Scheme 2023. Collection method: clinical testing. Allele origin: germline.
Comment: The c.3124dupA pathogenic mutation, located in coding exon 11 of the PALB2 gene, results from a duplication of A at nucleotide position 3124, causing a translational frameshift with a predicted alternate stop codon (p.T1042Nfs*11). This variant is considered to be rare based on population cohorts in the Genome Aggregation Database (gnomAD). This alteration is expected to result in loss of function by premature protein truncation or nonsense-mediated mRNA decay. As such, this alteration is interpreted as a disease-causing mutation.

Hema, HEMA – Genetic and Molecular Diagnostic Laboratory
Classification: Pathogenic for PALB2-related cancer predisposition. Last evaluated: 2024-08-08. Review status: criteria provided, single submitter. Criteria: HEMA Variant Classification Assertion Criteria. Collection method: clinical testing. Allele origin: germline.
Comment: The variant c.3124dup p.(Thr1042AsnfsTer11) is a duplication of a thymine nucleotide that results in a frameshift in PALB2. PVS1: Null variant (frameshift variant) in a gene for which loss of function is a known disease mechanism. The variant c.3124dup p.(Thr1042AsnfsTer11) in the PALB2 gene is a frameshift variant that introduces a premature stop codon in exon 11/13, which is predicted to lead to nonsense-mediated decay (NMD) of the transcript. PM2_Supporting: Absent in gnomAD. PM5_Supporting: Frameshift variant that introduces a premature stop codon before p.Tyr1183.

Color Diagnostics, LLC DBA Color Health
Classification: Pathogenic for Hereditary cancer-predisposing syndrome. Last evaluated: 2024-01-04. Review status: criteria provided, single submitter. Criteria: ACMG Guidelines, 2015. Collection method: clinical testing. Allele origin: germline.
Comment: This variant inserts 1 nucleotide in exon 11 of the PALB2 gene, creating a frameshift and premature translation stop signal. This variant is expected to result in an absent or non-functional protein product. To our knowledge, this variant has not been reported in individuals affected with hereditary cancer in the literature. This variant has not been identified in the general population by the Genome Aggregation Database (gnomAD). Loss of PALB2 function is a known mechanism of disease. Based on the available evidence, this variant is classified as Pathogenic.

Baylor Genetics
Classification: Likely pathogenic for Familial cancer of breast. Last evaluated: 2022-03-04. Review status: criteria provided, single submitter. Criteria: ACMG Guidelines, 2015. Collection method: clinical testing. Allele origin: unknown.

Literature cited by the submitters: PubMed 17200668 (cited by Labcorp Genetics (formerly Invitae), Labcorp); PubMed 17200671 (cited by Labcorp Genetics (formerly Invitae), Labcorp); PubMed 17200672 (cited by Labcorp Genetics (formerly Invitae), Labcorp); PubMed 24136930 (cited by Labcorp Genetics (formerly Invitae), Labcorp); PubMed 25099575 (cited by Labcorp Genetics (formerly Invitae), Labcorp).

NM_024675.4(PALB2):c.3124dup (p.Thr1042fs)

Gene: PALB2 (partner and localizer of BRCA2; minus strand). Cytogenetic location: 16p12.2.
Variant type: Duplication.
Coding change: c.3124dup on transcript NM_024675.4 (MANE Select); coding-DNA position 3124, one base duplicated (A; older notation c.3124dupA).
Protein change: p.Thr1042fs; shifts the reading frame from threonine 1042.
Molecular consequence: frameshift variant.
Genome position (GRCh38, 1-based): chr16:23,614,081, T duplicated on the plus strand (A on the coding strand, the reverse complement: PALB2 is on the minus strand); the first of 5 consecutive T bases (chr16:23,614,081-23,614,085); duplicating any one gives the same sequence. VCF-style (leftmost placement, unchanged base first): chr16-23614080-G-GT. GRCh37 (hg19) VCF-style: chr16-23625401-G-GT.
Other names: c.3124dupA (NM_024675.3); short protein forms T1042fs.
Identifiers: ClinVar variation 410207 (VCV000410207.18), dbSNP rs1555458828, ClinGen allele CA16614812.